The following is an entry in ClinVar:

ClinVar aggregate classification (germline): Pathogenic/Likely pathogenic. Review status: criteria provided, multiple submitters, no conflicts (2 of 4 stars). 3 submissions from 3 submitters: Pathogenic (1); Likely pathogenic (2). Last evaluated 2026-07-27.

Conditions:
Jeune thoracic dystrophy. Also called: Short-rib thoracic dysplasia; Jeune syndrome; Infantile thoracic dystrophy; Thoracic pelvic phalangeal dystrophy; Jeune's syndrome; Chondroectodermal dysplasia-like syndrome. Identifiers: Orphanet 474, MedGen C0265275, MONDO:0018770.
DYNC2H1-related disorder. Also called: DYNC2H1-related condition; DYNC2H1-related disorders. Identifiers: MedGen CN378770.
Asphyxiating thoracic dystrophy 3. Also called: SHORT-RIB THORACIC DYSPLASIA 3 WITH OR WITHOUT POLYDACTYLY; SHORT-RIB THORACIC DYSPLASIA 3/6 WITH POLYDACTYLY, DIGENIC; Short rib polydactyly syndrome 2B; POLYDACTYLY WITH NEONATAL CHONDRODYSTROPHY, TYPE I; Saldino-Noonan Syndrome. Identifiers: Orphanet 474, Orphanet 93269, Orphanet 93270, Orphanet 93271, MedGen C0036069, MONDO:0013127, OMIM 613091.

Allele frequency attached by ClinVar (database versions not stated): gnomAD 0.00001; gnomAD exomes 0.00001; ExAC 0.00003; TOPMed 0.00003; ESP Exome Variant Server 0.00008.
gnomAD v4.1: 12 of 1,613,428 alleles (0.00074%); highest among the groups gnomAD compares: African/African-American, 0.0053%; no homozygotes.

Submissions (3):

PreventionGenetics, part of Exact Sciences
Classification: Likely pathogenic for DYNC2H1-related condition. Last evaluated: 2026-07-27. Review status: criteria provided, single submitter. Criteria: ACMG Guidelines, 2015. Collection method: clinical testing. Allele origin: germline.
Comment: The DYNC2H1 c.12220C>T variant is predicted to result in premature protein termination (p.Arg4074*). To our knowledge, this variant has not been reported in the literature. This variant is reported in 0.0018% of alleles in individuals of European (Non-Finnish) descent in gnomAD. Nonsense variants in DYNC2H1 are expected to be pathogenic. This variant is interpreted as likely pathogenic.

Labcorp Genetics (formerly Invitae), Labcorp
Classification: Pathogenic for Jeune thoracic dystrophy. Last evaluated: 2025-01-06. Review status: criteria provided, single submitter. Criteria: Invitae Variant Classification Sherloc (09022015). Collection method: clinical testing. Allele origin: germline.
Comment: This sequence change creates a premature translational stop signal (p.Arg4074*) in the DYNC2H1 gene. It is expected to result in an absent or disrupted protein product. Loss-of-function variants in DYNC2H1 are known to be pathogenic (PMID: 23339108, 32753734, 33755199). This variant is present in population databases (rs376596919, gnomAD 0.003%). This variant has not been reported in the literature in individuals affected with DYNC2H1-related conditions. ClinVar contains an entry for this variant (Variation ID: 2894806). For these reasons, this variant has been classified as Pathogenic.

Fulgent Genetics
Classification: Likely pathogenic for Asphyxiating thoracic dystrophy 3. Last evaluated: 2024-06-04. Review status: criteria provided, single submitter. Criteria: ACMG Guidelines, 2015. Collection method: clinical testing. Allele origin: germline.

Literature cited by the submitters: PubMed 23339108 (cited by Labcorp Genetics (formerly Invitae), Labcorp); PubMed 32753734 (cited by Labcorp Genetics (formerly Invitae), Labcorp); PubMed 33755199 (cited by Labcorp Genetics (formerly Invitae), Labcorp).

NM_001377.3(DYNC2H1):c.12199C>T (p.Arg4067Ter)

Gene: DYNC2H1 (dynein cytoplasmic 2 heavy chain 1; plus strand). Cytogenetic location: 11q22.3.
Variant type: single nucleotide variant.
Coding change: c.12199C>T on transcript NM_001377.3 (MANE Select); coding-DNA position 12199, C replaced by T.
Protein change: p.Arg4067Ter; replaces arginine 4067 with a stop codon.
Molecular consequence: nonsense.
Genome position (GRCh38, 1-based): chr11:103,399,705, C>T. VCF-style: chr11-103399705-C-T. GRCh37 (hg19) VCF-style: chr11-103270433-C-T.
Other names: c.12220C>T, p.Arg4074Ter (NM_001080463.2); c.12220C>T (NM_001080463.1); short protein forms R4074*, R4067*.
Identifiers: ClinVar variation 2894806 (VCV002894806.5), dbSNP rs376596919, ClinGen allele CA6255486.
Genomic context (GRCh38, chr11:103,399,705, plus strand): 5'-ATGACATTTTTCTTTTAGAATTCAAACCTAATACATCAGAAAGTGCCTCCTCCTAACGAT[C>T]GACAAGGATCTCCAATACTGTCATTCATCATTCTTGAACAATTTAATGCTATTCGTTTAG-3'